The following is an entry in ClinVar:

NM_004577.4(PSPH):c.159C>T (p.Gly53=)

Gene: PSPH (phosphoserine phosphatase; minus strand). Cytogenetic location: 7p11.2.
Variant type: single nucleotide variant.
Coding change: c.159C>T on transcript NM_004577.4 (MANE Select); coding-DNA position 159, C replaced by T.
Protein change: p.Gly53=; no amino-acid change (glycine 53 retained).
Molecular consequence: synonymous variant.
Genome position (GRCh38, 1-based): chr7:56,019,716, G>A on the plus strand (C>T on the coding strand, the complement: PSPH is on the minus strand). VCF-style: chr7-56019716-G-A. GRCh37 (hg19) VCF-style: chr7-56087409-G-A.
Other names: NC_000007.13:g.56087409G>A; c.159C>T, p.Gly53= (NM_001370503.1, NM_001370504.1, NM_001370505.1 and 17 more transcripts).
Identifiers: ClinVar variation 360507 (VCV000360507.7), dbSNP rs74874687, ClinGen allele CA4268751.

ClinVar aggregate classification (germline): Benign. Review status: criteria provided, multiple submitters, no conflicts (2 of 4 stars). 2 submissions from 2 submitters: Benign (2). Last evaluated 2021-03-31.

Conditions:
Deficiency of phosphoserine phosphatase (PSPHD). Also called: Phosphoserine phosphatase deficiency; PSPH deficiency. Identifiers: Orphanet 79350, MedGen C1291463, MONDO:0013531, OMIM 614023.

Allele frequency attached by ClinVar (database versions not stated): 1000 Genomes Project 0.00020; ExAC 0.12181; gnomAD 0.23305; 1000 Genomes Project 30x 0.35993.

Submissions (20):

GeneDx
Classification: Benign. Last evaluated: 2021-03-31. Review status: criteria provided, single submitter. Criteria: GeneDx Variant Classification Process June 2021. Collection method: clinical testing. Allele origin: germline. Affected: yes.

Illumina Laboratory Services, Illumina
Classification: Benign for Deficiency of phosphoserine phosphatase. Last evaluated: 2018-01-13. Review status: criteria provided, single submitter. Criteria: ICSL Variant Classification Criteria 13 December 2019. Collection method: clinical testing. Allele origin: germline.
Comment: This variant was observed in the ICSL laboratory as part of a predisposition screen in an ostensibly healthy population. It had not been previously curated by ICSL or reported in the Human Gene Mutation Database (HGMD: prior to June 1st, 2018), and was therefore a candidate for classification through an automated scoring system. Utilizing variant allele frequency, disease prevalence and penetrance estimates, and inheritance mode, an automated score was calculated to assess if this variant is too frequent to cause the disease. Based on the score and internal cut-off values, a variant classified as benign is not then subjected to further curation. The score for this variant resulted in a classification of benign for this disease.

Dr. Peter K. Rogan Lab, Western University
No classification provided (evidence only). Condition: Melanoma. Review status: no classification provided. Collection method: in vitro. Allele origin: not applicable. Functional consequence: skipped exon, retained intron. Not counted in ClinVar's aggregate classification.

Dr. Peter K. Rogan Lab, Western University
No classification provided (evidence only). Condition: Melanoma. Review status: no classification provided. Collection method: in vitro. Allele origin: not applicable. Functional consequence: skipped exon, retained intron. Not counted in ClinVar's aggregate classification.

Dr. Peter K. Rogan Lab, Western University
No classification provided (evidence only). Condition: Familial cancer of breast. Review status: no classification provided. Collection method: in vitro. Allele origin: not applicable. Functional consequence: retained intron. Not counted in ClinVar's aggregate classification.

Dr. Peter K. Rogan Lab, Western University
No classification provided (evidence only). Condition: Familial cancer of breast. Review status: no classification provided. Collection method: in vitro. Allele origin: not applicable. Functional consequence: skipped exon, retained intron. Not counted in ClinVar's aggregate classification.

Dr. Peter K. Rogan Lab, Western University
No classification provided (evidence only). Condition: Familial cancer of breast. Review status: no classification provided. Collection method: in vitro. Allele origin: not applicable. Functional consequence: retained intron. Not counted in ClinVar's aggregate classification.

Dr. Peter K. Rogan Lab, Western University
No classification provided (evidence only). Condition: Uterine corpus endometrial carcinoma. Review status: no classification provided. Collection method: in vitro. Allele origin: not applicable. Functional consequence: skipped exon, retained intron. Not counted in ClinVar's aggregate classification.

Dr. Peter K. Rogan Lab, Western University
No classification provided (evidence only). Condition: Uterine corpus endometrial carcinoma. Review status: no classification provided. Collection method: in vitro. Allele origin: not applicable. Functional consequence: skipped exon, retained intron. Not counted in ClinVar's aggregate classification.

Dr. Peter K. Rogan Lab, Western University
No classification provided (evidence only). Condition: Cervical cancer. Review status: no classification provided. Collection method: in vitro. Allele origin: not applicable. Functional consequence: retained intron. Not counted in ClinVar's aggregate classification.

Dr. Peter K. Rogan Lab, Western University
No classification provided (evidence only). Condition: Cervical cancer. Review status: no classification provided. Collection method: in vitro. Allele origin: not applicable. Functional consequence: retained intron. Not counted in ClinVar's aggregate classification.

Dr. Peter K. Rogan Lab, Western University
No classification provided (evidence only). Condition: Sarcoma. Review status: no classification provided. Collection method: in vitro. Allele origin: not applicable. Functional consequence: skipped exon, retained intron. Not counted in ClinVar's aggregate classification.

Dr. Peter K. Rogan Lab, Western University
No classification provided (evidence only). Condition: Cholangiocarcinoma. Review status: no classification provided. Collection method: in vitro. Allele origin: not applicable. Functional consequence: skipped exon. Not counted in ClinVar's aggregate classification.

Dr. Peter K. Rogan Lab, Western University
No classification provided (evidence only). Condition: Ovarian serous cystadenocarcinoma. Review status: no classification provided. Collection method: in vitro. Allele origin: not applicable. Functional consequence: retained intron. Not counted in ClinVar's aggregate classification.

Dr. Peter K. Rogan Lab, Western University
No classification provided (evidence only). Condition: Ovarian serous cystadenocarcinoma. Review status: no classification provided. Collection method: in vitro. Allele origin: not applicable. Functional consequence: retained intron. Not counted in ClinVar's aggregate classification.

Dr. Peter K. Rogan Lab, Western University
No classification provided (evidence only). Condition: Ovarian serous cystadenocarcinoma. Review status: no classification provided. Collection method: in vitro. Allele origin: not applicable. Functional consequence: retained intron. Not counted in ClinVar's aggregate classification.

Dr. Peter K. Rogan Lab, Western University
No classification provided (evidence only). Condition: Uterine carcinosarcoma. Review status: no classification provided. Collection method: in vitro. Allele origin: not applicable. Functional consequence: skipped exon, retained intron. Not counted in ClinVar's aggregate classification.

Dr. Peter K. Rogan Lab, Western University
No classification provided (evidence only). Condition: Uterine carcinosarcoma. Review status: no classification provided. Collection method: in vitro. Allele origin: not applicable. Functional consequence: retained intron. Not counted in ClinVar's aggregate classification.

Dr. Peter K. Rogan Lab, Western University
No classification provided (evidence only). Condition: Uterine carcinosarcoma. Review status: no classification provided. Collection method: in vitro. Allele origin: not applicable. Functional consequence: retained intron. Not counted in ClinVar's aggregate classification.

Dr. Peter K. Rogan Lab, Western University
No classification provided (evidence only). Condition: Uterine carcinosarcoma. Review status: no classification provided. Collection method: in vitro. Allele origin: not applicable. Functional consequence: retained intron. Not counted in ClinVar's aggregate classification.